The following is an entry in ClinVar:

ClinVar aggregate classification (germline): Uncertain significance (1 of 4 stars; one submission).

Conditions:
Hereditary cancer-predisposing syndrome. Also called: Hereditary Cancer Syndrome; Neoplastic Syndromes, Hereditary; Tumor predisposition; Hereditary neoplastic syndrome. Identifiers: Orphanet 140162, MedGen C0027672, MeSH D009386, MONDO:0015356.

Allele frequency attached by ClinVar (database versions not stated): ExAC 0.00005.
gnomAD v4.1: 2 of 1,563,514 alleles (0.00013%); highest among the groups gnomAD compares: Non-Finnish European, 0.00017%; no homozygotes.

Submission:

Ambry Genetics
Classification: Uncertain significance for Hereditary cancer-predisposing syndrome. Last evaluated: 2025-05-03. Review status: criteria provided, single submitter. Criteria: Ambry Variant Classification Scheme 2023. Collection method: clinical testing. Allele origin: germline.
Comment: The p.P4R variant (also known as c.11C>G), located in coding exon 1 of the EPCAM gene, results from a C to G substitution at nucleotide position 11. The proline at codon 4 is replaced by arginine, an amino acid with dissimilar properties. This amino acid position is conserved. In addition, this alteration is predicted to be tolerated by in silico analysis. Since supporting evidence is limited at this time, the clinical significance of this alteration remains unclear.

NM_002354.3(EPCAM):c.11C>G (p.Pro4Arg)

Gene: EPCAM (epithelial cell adhesion molecule; plus strand). Cytogenetic location: 2p21.
Variant type: single nucleotide variant.
Coding change: c.11C>G on transcript NM_002354.3 (MANE Select); coding-DNA position 11, C replaced by G.
Protein change: p.Pro4Arg; replaces proline 4 with arginine.
Molecular consequence: missense variant.
Genome position (GRCh38, 1-based): chr2:47,369,516, C>G. VCF-style: chr2-47369516-C-G. GRCh37 (hg19) VCF-style: chr2-47596655-C-G.
Other names: short protein forms P4R.
Identifiers: ClinVar variation 1747070 (VCV001747070.3), dbSNP rs778641299, ClinGen allele CA1648803.